The following is an entry in ClinVar:

ClinVar aggregate classification (germline): Likely benign (0 of 4 stars; one submission).

Conditions:
DYRK1B-related disorder. Also called: DYRK1B-related condition.

Allele frequency attached by ClinVar (database versions not stated): TOPMed below 0.00001; gnomAD 0.00001; gnomAD exomes 0.00001.
gnomAD v4.1: 6 of 1,521,742 alleles (0.00039%); highest among the groups gnomAD compares: Non-Finnish European, 0.00053%; no homozygotes.

Submission:

PreventionGenetics, part of Exact Sciences
Classification: Likely benign for DYRK1B-related condition. Last evaluated: 2022-07-26. Review status: no assertion criteria provided. Collection method: clinical testing. Allele origin: germline.
Comment: This variant is classified as likely benign based on ACMG/AMP sequence variant interpretation guidelines (Richards et al. 2015 PMID: 25741868, with internal and published modifications).

NM_004714.3(DYRK1B):c.1578T>C (p.His526=)

Gene: DYRK1B (dual specificity tyrosine phosphorylation regulated kinase 1B; minus strand). Cytogenetic location: 19q13.2.
Variant type: single nucleotide variant.
Coding change: c.1578T>C on transcript NM_004714.3 (MANE Select); coding-DNA position 1578, T replaced by C.
Protein change: p.His526=; no amino-acid change (histidine 526 retained).
Molecular consequence: synonymous variant.
Genome position (GRCh38, 1-based): chr19:39,826,027, A>G on the plus strand (T>C on the coding strand, the complement: DYRK1B is on the minus strand). VCF-style: chr19-39826027-A-G. GRCh37 (hg19) VCF-style: chr19-40316667-A-G.
Other names: c.1458T>C, p.His486= (NM_006483.3); c.1494T>C, p.His498= (NM_006484.3).
Identifiers: ClinVar variation 3030878 (VCV003030878.2), dbSNP rs1391630651, ClinGen allele CA507664210.
Genomic context (GRCh38, chr19:39,826,027, plus strand): 5'-GGGCTGGGGGGGTAACTGGGCCCCGGTCCCAGGCAGTGACGAGGCAGAGGCAGGGGCTTG[A>G]TGTGTCTTGTGGGGCACATCACCCCCTGCCCAGGGCCGCAGCGGCTGGGAGGGTGGGACC-3'
Protein context (NP_004705.1, residues 516-536): WAGGDVPHKT[His526=]QAPASASSLP